The following is an entry in ClinVar:

ClinVar aggregate classification (germline): Pathogenic (1 of 4 stars; one submission).

Submission:

Genetic Services Laboratory, University of Chicago
Classification: Pathogenic. Last evaluated: 2019-03-15. Review status: criteria provided, single submitter. Criteria: ACMG Guidelines, 2015. Collection method: clinical testing. Allele origin: germline. Affected: yes.
Comment: DNA sequence analysis of the AR gene demonstrated a sequence change, c.675_678del, which results in the creation of a premature stop codon at amino acid position 225, p.Tyr225*. This sequence change is not present in population databases (ExAC and gnomAD). This pathogenic deletion is predicted to result in an abnormal transcript, which may be degraded, or may lead to the production of a truncated AR protein with potentially abnormal function. Hannema et al., 2004 reported a missense variant leading to the same stop gain (reported as c.1031C>G, p.Tyr223X) in a patient with normal external female genitalia, no vas deferens, no epididymis and Wolffian remnants. This variant showed no expression of AR in genital skin fibroblasts.

NM_000044.6(AR):c.675_678del (p.Asn224_Tyr225insTer)

Gene: AR (androgen receptor; plus strand). Cytogenetic location: Xq12.
Variant type: Deletion.
Coding change: c.675_678del on transcript NM_000044.6 (MANE Select); coding-DNA positions 675 to 678, 4 bases deleted (CTTA; older notation c.675_678delCTTA).
Protein change: p.Asn224_Tyr225insTer.
Molecular consequence: nonsense. On other transcripts: 5 prime UTR variant (1).
Genome position (GRCh38, 1-based): chrX:67,545,821-67,545,824, CTTA deleted; deleting any 4 consecutive bases within chrX:67,545,818-67,545,824 gives the same sequence; the c. name uses the placement nearest the transcript's 3' end. VCF-style (leftmost placement, unchanged base first): chrX-67545817-ATTAC-A. GRCh37 (hg19) VCF-style: chrX-66765659-ATTAC-A.
Other names: c.-1109_-1106del (NM_001011645.3); c.675_678del, p.Asn224_Tyr225insTer (NM_001348061.1, NM_001348063.1, NM_001348064.1).
Identifiers: ClinVar variation 1338498 (VCV001338498.4), dbSNP rs2147317782, ClinGen allele CA2573055379.
Genomic context (GRCh38, chrX:67,545,817, plus strand): 5'-AAGGCAGCAGCAGCGGGAGAGCGAGGGAGGCCTCGGGGGCTCCCACTTCCTCCAAGGACA[ATTAC>A]TTAGGGGGCACTTCGACCATTTCTGACAACGCCAAGGAGTTGTGTAAGGCAGTGTCGGTG-3'